The following is an entry in ClinVar:

ClinVar aggregate classification (germline): Uncertain significance. Review status: criteria provided, multiple submitters, no conflicts (2 of 4 stars). 2 submissions from 2 submitters: Uncertain significance (2). Last evaluated 2024-09-26.

Allele frequency attached by ClinVar (database versions not stated): TOPMed below 0.00001; gnomAD 0.00001; gnomAD exomes 0.00002; ExAC 0.00004.
gnomAD v4.1: 21 of 1,602,862 alleles (0.0013%); highest among the groups gnomAD compares: South Asian, 0.0056%; no homozygotes.

Submissions (2):

Labcorp Genetics (formerly Invitae), Labcorp
Classification: Uncertain significance. Last evaluated: 2024-09-26. Review status: criteria provided, single submitter. Criteria: Invitae Variant Classification Sherloc (09022015). Collection method: clinical testing. Allele origin: germline.
Comment: This sequence change replaces arginine, which is basic and polar, with glutamine, which is neutral and polar, at codon 1676 of the MYH14 protein (p.Arg1676Gln). The frequency data for this variant in the population databases is considered unreliable, as metrics indicate poor data quality at this position in the gnomAD database. This variant has not been reported in the literature in individuals affected with MYH14-related conditions. ClinVar contains an entry for this variant (Variation ID: 1693381). Invitae Evidence Modeling of protein sequence and biophysical properties (such as structural, functional, and spatial information, amino acid conservation, physicochemical variation, residue mobility, and thermodynamic stability) indicates that this missense variant is not expected to disrupt MYH14 protein function with a negative predictive value of 80%. In summary, the available evidence is currently insufficient to determine the role of this variant in disease. Therefore, it has been classified as a Variant of Uncertain Significance.

GeneDx
Classification: Uncertain significance. Last evaluated: 2022-01-03. Review status: criteria provided, single submitter. Criteria: GeneDx Variant Classification Process June 2021. Collection method: clinical testing. Allele origin: germline. Affected: yes.
Comment: In silico analysis supports that this missense variant has a deleterious effect on protein structure/function; Has not been previously published as pathogenic or benign to our knowledge

NM_001145809.2(MYH14):c.5150G>A (p.Arg1717Gln)

Gene: MYH14 (myosin heavy chain 14; plus strand). Cytogenetic location: 19q13.33.
Variant type: single nucleotide variant.
Coding change: c.5150G>A on transcript NM_001145809.2 (MANE Select); coding-DNA position 5150, G replaced by A.
Protein change: p.Arg1717Gln; replaces arginine 1717 with glutamine.
Molecular consequence: missense variant.
Genome position (GRCh38, 1-based): chr19:50,292,283, G>A. VCF-style: chr19-50292283-G-A. GRCh37 (hg19) VCF-style: chr19-50795540-G-A.
Other names: c.5051G>A, p.Arg1684Gln (NM_001077186.2); c.5027G>A, p.Arg1676Gln (NM_024729.4); short protein forms R1676Q, R1684Q, R1717Q.
Identifiers: ClinVar variation 1693381 (VCV001693381.4), dbSNP rs765221367, ClinGen allele CA9593701.
Genomic context (GRCh38, chr19:50,292,283, plus strand): 5'-GCCAGGCTGAGCCCATCTACCTATTCCGTTCCACCCAGGCCCAGATGAAGGAGCTATGGC[G>A]GGAGGTGGAGGAGACACGCACCTCCCGGGAGGAGATCTTCTCCCAGAATCGGGAAAGTGA-3'
Protein context (NP_001139281.1, residues 1707-1727): KMQAQMKELW[Arg1717Gln]EVEETRTSRE